The following is an entry in ClinVar:

NM_003738.5(PTCH2):c.608C>T (p.Ala203Val)

Gene: PTCH2 (patched 2; minus strand). Cytogenetic location: 1p34.1.
Variant type: single nucleotide variant.
Coding change: c.608C>T on transcript NM_003738.5 (MANE Select); coding-DNA position 608, C replaced by T.
Protein change: p.Ala203Val; replaces alanine 203 with valine.
Molecular consequence: missense variant.
Genome position (GRCh38, 1-based): chr1:44,831,715, G>A on the plus strand (C>T on the coding strand, the complement: PTCH2 is on the minus strand). VCF-style: chr1-44831715-G-A. GRCh37 (hg19) VCF-style: chr1-45297387-G-A.
Other names: c.608C>T, p.Ala203Val (NM_001166292.2); c.608C>T (NM_003738.4); short protein forms A203V.
Identifiers: ClinVar variation 1394868 (VCV001394868.7), dbSNP rs968580747, ClinGen allele CA21750264.
Genomic context (GRCh38, chr1:44,831,715, plus strand): 5'-TGGGAGAGTCCCCAGCGGGAGATGAAGCAGGGCCCCAGGAGTGGCACTCACGGCAGGTAG[G>A]CGGAGCCCCCTTGGAGTTTGGCTCCCTCCCAGAAGCAGTCGAGGGGGGTGAGGATCACGC-3'
Protein context (NP_003729.3, residues 193-213): WEGAKLQGGS[Ala203Val]YLPGRPDIQW

ClinVar aggregate classification (germline): Uncertain significance. Review status: criteria provided, multiple submitters, no conflicts (2 of 4 stars). 2 submissions from 2 submitters: Uncertain significance (2). Last evaluated 2025-03-31.

Conditions:
Gorlin syndrome. Also called: Nevoid Basal Cell Carcinoma Syndrome; Basal cell nevus syndrome. Identifiers: Orphanet 377, MedGen C0004779, MONDO:0007187.

Allele frequency attached by ClinVar (database versions not stated): gnomAD exomes 0.00001; TOPMed 0.00004; gnomAD 0.00005.
gnomAD v4.1: 28 of 1,559,218 alleles (0.0018%); highest among the groups gnomAD compares: Admixed American, 0.0077%; 1 homozygote.

Submissions (2):

Labcorp Genetics (formerly Invitae), Labcorp
Classification: Uncertain significance for Gorlin syndrome. Last evaluated: 2025-03-31. Review status: criteria provided, single submitter. Criteria: Invitae Variant Classification Sherloc (09022015). Collection method: clinical testing. Allele origin: germline.
Comment: This sequence change replaces alanine, which is neutral and non-polar, with valine, which is neutral and non-polar, at codon 203 of the PTCH2 protein (p.Ala203Val). The frequency data for this variant in the population databases is considered unreliable, as metrics indicate poor data quality at this position in the gnomAD database. This variant has not been reported in the literature in individuals affected with PTCH2-related conditions. ClinVar contains an entry for this variant (Variation ID: 1394868). Invitae Evidence Modeling of protein sequence and biophysical properties (such as structural, functional, and spatial information, amino acid conservation, physicochemical variation, residue mobility, and thermodynamic stability) indicates that this missense variant is not expected to disrupt PTCH2 protein function with a negative predictive value of 80%. In summary, the available evidence is currently insufficient to determine the role of this variant in disease. Therefore, it has been classified as a Variant of Uncertain Significance.

Ambry Genetics
Classification: Uncertain significance. Last evaluated: 2024-04-15. Review status: criteria provided, single submitter. Criteria: Ambry Variant Classification Scheme 2023. Collection method: clinical testing. Allele origin: germline.